The following is an entry in ClinVar:

NM_001127208.3(TET2):c.3070A>G (p.Ile1024Val)

Genes: TET2 (tet methylcytosine dioxygenase 2; plus strand), TET2-AS1 (TET2 antisense RNA 1; minus strand). Cytogenetic location: 4q24.
Variant type: single nucleotide variant.
Coding change: c.3070A>G on transcript NM_001127208.3 (MANE Select); coding-DNA position 3070, A replaced by G.
Protein change: p.Ile1024Val; replaces isoleucine 1024 with valine.
Molecular consequence: missense variant.
Genome position (GRCh38, 1-based): chr4:105,237,012, A>G. VCF-style: chr4-105237012-A-G. GRCh37 (hg19) VCF-style: chr4-106158169-A-G.
Other names: c.3070A>G, p.Ile1024Val (NM_017628.4); short protein forms I1024V.
Identifiers: ClinVar variation 4082968 (VCV004082968.1).

ClinVar aggregate classification (germline): Uncertain significance (1 of 4 stars; one submission).

gnomAD v4.1: 3 of 1,614,096 alleles (0.00019%); highest among the groups gnomAD compares: African/African-American, 0.0027%; no homozygotes.

Submission:

GeneDx
Classification: Uncertain significance. Last evaluated: 2025-03-10. Review status: criteria provided, single submitter. Criteria: GeneDx Variant Classification Process June 2021. Collection method: clinical testing. Allele origin: germline. Affected: yes.
Comment: In silico analysis indicates that this missense variant does not alter protein structure/function; Has not been previously published as pathogenic or benign to our knowledge